The following is an entry in ClinVar:

ClinVar aggregate classification (germline): not provided (0 of 4 stars; one submission).

Conditions:
Familial long QT syndrome (RWS). Also called: Congenital long QT syndrome; Romano-Ward syndrome; VENTRICULAR FIBRILLATION WITH PROLONGED QT INTERVAL. Identifiers: Orphanet 768, MedGen C1141890, MONDO:0019171.

Submission:

Cardiovascular Biomedical Research Unit, Royal Brompton & Harefield NHS Foundation Trust
No classification provided. Condition: Familial long QT syndrome. Review status: no classification provided. Collection method: literature only. Allele origin: germline.
Comment: This variant has been reported as associated with Long QT syndrome in the following publications (PMID:19926013). This is a literature report, and does not necessarily reflect the clinical interpretation of the Imperial College / Royal Brompton Cardiovascular Genetics laboratory.

Literature cited by the submitters: PubMed 19926013; PubMed 22581653.

NM_000238.4(KCNH2):c.1811G>A (p.Gly604Asp)

Gene: KCNH2 (potassium voltage-gated channel subfamily H member 2; minus strand). Cytogenetic location: 7q36.1.
Variant type: single nucleotide variant.
Coding change: c.1811G>A on transcript NM_000238.4 (MANE Select); coding-DNA position 1811, G replaced by A.
Protein change: p.Gly604Asp; replaces glycine 604 with aspartic acid.
Molecular consequence: missense variant.
Genome position (GRCh38, 1-based): chr7:150,951,582, C>T on the plus strand (G>A on the coding strand, the complement: KCNH2 is on the minus strand). VCF-style: chr7-150951582-C-T. GRCh37 (hg19) VCF-style: chr7-150648670-C-T.
Other names: c.1811G>A (LRG_288t1); c.791G>A, p.Gly264Asp (NM_001204798.2, NM_172057.3); c.1523G>A, p.Gly508Asp (NM_001406753.1, NM_001406756.1); c.1634G>A, p.Gly545Asp (NM_001406755.1); c.1511G>A, p.Gly504Asp (NM_001406757.1); c.1811G>A, p.Gly604Asp (NM_172056.3); short protein forms G264D, G604D, G508D, G545D, G504D.
Identifiers: ClinVar variation 67282 (VCV000067282.3), dbSNP rs199472937, ClinGen allele CA005553.
Genomic context (GRCh38, chr7:150,951,582, plus strand): 5'-CTGGTGAGGCTGCTGAAGGTGAAGTAGAGCGCCGTCACATACTTGTCCTTGATGGAGGGG[C>T]CGCCCAGGCCGCTGCTGTTGTAGGGTTTGCCTATCTGGTCGCCCAGGTTGTGCAGCCAGC-3'
Protein context (NP_000229.1, residues 594-614): GKPYNSSGLG[Gly604Asp]PSIKDKYVTA